The following is an entry in ClinVar:

ClinVar aggregate classification (germline): Likely pathogenic (1 of 4 stars; one submission).

Conditions:
Cardiovascular phenotype. Identifiers: MedGen CN230736.

Submission:

Molecular Diagnostic Laboratory for Inherited Cardiovascular Disease, Montreal Heart Institute
Classification: Likely pathogenic for Cardiovascular phenotype. Last evaluated: 2024-09-24. Review status: criteria provided, single submitter. Criteria: ACMG Guidelines, 2015. Collection method: clinical testing. Allele origin: germline. Affected: yes.
Comment: PVS1, PM2

NM_001134363.3(RBM20):c.39del (p.Ser14fs)

Gene: RBM20 (RNA binding motif protein 20; plus strand). Cytogenetic location: 10q25.2.
Variant type: Deletion.
Coding change: c.39del on transcript NM_001134363.3 (MANE Select); coding-DNA position 39, one base deleted (C; older notation c.39delC).
Protein change: p.Ser14fs; shifts the reading frame from serine 14.
Molecular consequence: frameshift variant.
Genome position (GRCh38, 1-based): chr10:110,644,493, C deleted; the last of 4 consecutive C bases (chr10:110,644,490-110,644,493); deleting any one gives the same sequence. VCF-style (leftmost placement, unchanged base first): chr10-110644489-AC-A. GRCh37 (hg19) VCF-style: chr10-112404247-AC-A.
Other names: short protein forms S14fs.
Identifiers: ClinVar variation 3895210 (VCV003895210.1).